The following is an entry in ClinVar:

ClinVar aggregate classification (germline): Uncertain significance (1 of 4 stars; one submission).

Allele frequency attached by ClinVar (database versions not stated): TOPMed below 0.00001; gnomAD 0.00001.
gnomAD v4.1: 1 of 1,614,044 alleles (0.000062%); highest among the groups gnomAD compares: African/African-American, 0.0013%; no homozygotes.

Submission:

Labcorp Genetics (formerly Invitae), Labcorp
Classification: Uncertain significance. Last evaluated: 2023-08-30. Review status: criteria provided, single submitter. Criteria: Invitae Variant Classification Sherloc (09022015). Collection method: clinical testing. Allele origin: germline.
Comment: This sequence change replaces proline, which is neutral and non-polar, with serine, which is neutral and polar, at codon 909 of the KCNQ5 protein (p.Pro909Ser). This variant is not present in population databases (gnomAD no frequency). This variant has not been reported in the literature in individuals affected with KCNQ5-related conditions. Advanced modeling of protein sequence and biophysical properties (such as structural, functional, and spatial information, amino acid conservation, physicochemical variation, residue mobility, and thermodynamic stability) performed at Invitae indicates that this missense variant is not expected to disrupt KCNQ5 protein function. In summary, the available evidence is currently insufficient to determine the role of this variant in disease. Therefore, it has been classified as a Variant of Uncertain Significance.

NM_019842.4(KCNQ5):c.2668C>T (p.Pro890Ser)

Gene: KCNQ5 (potassium voltage-gated channel subfamily Q member 5; plus strand). Cytogenetic location: 6q13.
Variant type: single nucleotide variant.
Coding change: c.2668C>T on transcript NM_019842.4 (MANE Select); coding-DNA position 2668, C replaced by T.
Protein change: p.Pro890Ser; replaces proline 890 with serine.
Molecular consequence: missense variant.
Genome position (GRCh38, 1-based): chr6:73,195,283, C>T. VCF-style: chr6-73195283-C-T. GRCh37 (hg19) VCF-style: chr6-73905006-C-T.
Other names: c.2641C>T, p.Pro881Ser (NM_001160130.2); c.2698C>T, p.Pro900Ser (NM_001160132.2); c.2725C>T, p.Pro909Ser (NM_001160133.2); c.2338C>T, p.Pro780Ser (NM_001160134.2); short protein forms P881S, P890S, P909S, P780S, P900S.
Identifiers: ClinVar variation 2790040 (VCV002790040.3), dbSNP rs1464118558, ClinGen allele CA364697034.